The following is an entry in ClinVar:

ClinVar aggregate classification (germline): Uncertain significance (0 of 4 stars; one submission).

Conditions:
Osteogenesis imperfecta type 10 (OI10). Also called: OI, TYPE X. Identifiers: Orphanet 666, MedGen C3151211, MONDO:0013459, OMIM 613848.

Allele frequency attached by ClinVar (database versions not stated): ExAC 0.00001; gnomAD exomes 0.00001.

Submission:

Foundation for Research in Genetics and Endocrinology, FRIGE's Institute of Human Genetics
Classification: Uncertain significance for Osteogenesis imperfecta type 10. Last evaluated: 2018-05-24. Review status: no assertion criteria provided. Collection method: clinical testing. Allele origin: germline. Inheritance: Autosomal recessive inheritance. Affected: yes. Observed: 1 variant allele, 1 homozygote.
Comment: The observed variant c.1214G>A (p.Arg405His) is not reported in the 1000 Genomes database and has a minor allele frequency of 0.0008% in the ExAC database. The in silico prediction of the given variant is damaging by MutationTaster2, SIFT, and LRT. It is predicted as benign by PolyPhen2.

NM_001235.5(SERPINH1):c.1214G>A (p.Arg405His)

Gene: SERPINH1 (serpin family H member 1; plus strand). Cytogenetic location: 11q13.5.
Variant type: single nucleotide variant.
Coding change: c.1214G>A on transcript NM_001235.5 (MANE Select); coding-DNA position 1214, G replaced by A.
Protein change: p.Arg405His; replaces arginine 405 with histidine.
Molecular consequence: missense variant.
Genome position (GRCh38, 1-based): chr11:75,572,040, G>A. VCF-style: chr11-75572040-G-A. GRCh37 (hg19) VCF-style: chr11-75283085-G-A.
Other names: c.1214G>A, p.Arg405His (NM_001207014.3); short protein forms R405H.
Identifiers: ClinVar variation 545689 (VCV000545689.2), dbSNP rs781125078, ClinGen allele CA6191049.